The following is an entry in ClinVar:

NM_017763.6(RNF43):c.199G>T (p.Gly67Cys)

Gene: RNF43 (ring finger protein 43; minus strand). Cytogenetic location: 17q22.
Variant type: single nucleotide variant.
Coding change: c.199G>T on transcript NM_017763.6 (MANE Select); coding-DNA position 199, G replaced by T.
Protein change: p.Gly67Cys; replaces glycine 67 with cysteine.
Molecular consequence: missense variant.
Genome position (GRCh38, 1-based): chr17:58,415,379, C>A on the plus strand (G>T on the coding strand, the complement: RNF43 is on the minus strand). VCF-style: chr17-58415379-C-A. GRCh37 (hg19) VCF-style: chr17-56492740-C-A.
Other names: c.199G>T, p.Gly67Cys (NM_001305544.3); short protein forms G67C.
Identifiers: ClinVar variation 3789897 (VCV003789897.1).
Genomic context (GRCh38, chr17:58,415,379, plus strand): 5'-TACTTGCCTGCATTAATTTTCCTTCTGCTGGAGTTATTTCAGCAACACCAGCAAACACAC[C>A]TTCCAAAGTGAGATTCAGTTTTCCTGTGGGGTCCATTTTCAAGGGGATCACTCTGATAAT-3'
Protein context (NP_060233.3, residues 57-77): PTGKLNLTLE[Gly67Cys]VFAGVAEITP

ClinVar aggregate classification (germline): Uncertain significance (1 of 4 stars; one submission).

Submission:

Ambry Genetics
Classification: Uncertain significance. Last evaluated: 2025-01-29. Review status: criteria provided, single submitter. Criteria: Ambry Variant Classification Scheme 2023. Collection method: clinical testing. Allele origin: germline.
Comment: The p.G67C variant (also known as c.199G>T), located in coding exon 1 of the RNF43 gene, results from a G to T substitution at nucleotide position 199. The glycine at codon 67 is replaced by cysteine, an amino acid with highly dissimilar properties. This amino acid position is highly conserved in available vertebrate species. In addition, this alteration is predicted to be deleterious by in silico analysis. The evidence for this gene-disease relationship is limited; therefore, the clinical significance of this alteration is unclear.